The following is an entry in ClinVar:

ClinVar aggregate classification (germline): Likely pathogenic (1 of 4 stars; one submission).

Conditions:
Cardiovascular phenotype. Identifiers: MedGen CN230736.

Submission:

Ambry Genetics
Classification: Likely pathogenic for Cardiovascular phenotype. Last evaluated: 2025-11-04. Review status: criteria provided, single submitter. Criteria: Ambry Variant Classification Scheme 2023. Collection method: clinical testing. Allele origin: germline.
Comment: The p.K21131* variant (also known as c.63391A>T), located in coding exon 162 of the TTN gene, results from an A to T substitution at nucleotide position 63391. This changes the amino acid from a lysine to a stop codon within coding exon 162. This exon is located in the A-band region of the N2-B isoform of the titin protein and is constitutively expressed in TTN transcripts (percent spliced in or PSI 100%). This variant is expected to result in loss of function by premature protein truncation or nonsense-mediated mRNA decay. While truncating variants in TTN are present in 1-3% of the general population, truncating variants in the A-band are the most common cause of dilated cardiomyopathy (Herman DS et al. N. Engl. J. Med., 2012 Feb;366:619-28; Roberts AM et al. Sci Transl Med, 2015 Jan;7:270ra6). TTN truncating variants encoded in constitutive exons (PSI >90%) have been found to be significantly associated with DCM regardless of their position in titin (Schafer S et al. Nat. Genet., 2017 01;49:46-53; Akhtar MM et al. Circ Heart Fail, 2020 Oct;13:e006832; Massier M et al. Clin Genet, 2025 Jan). This variant is considered to be rare based on population cohorts in the Genome Aggregation Database (gnomAD). Based on the majority of available evidence to date, this variant is likely to be pathogenic.

NM_001267550.2(TTN):c.90586A>T (p.Lys30196Ter)

Genes: TTN (titin; minus strand), TTN-AS1 (TTN antisense RNA 1; plus strand). Cytogenetic location: 2q31.2.
Variant type: single nucleotide variant.
Coding change: c.90586A>T on transcript NM_001267550.2 (MANE Select); coding-DNA position 90586, A replaced by T.
Protein change: p.Lys30196Ter; replaces lysine 30196 with a stop codon.
Molecular consequence: nonsense.
Genome position (GRCh38, 1-based): chr2:178,552,314, T>A on the plus strand (A>T on the coding strand, the complement: TTN is on the minus strand). VCF-style: chr2-178552314-T-A. GRCh37 (hg19) VCF-style: chr2-179417041-T-A.
Other names: c.85663A>T, p.Lys28555Ter (NM_001256850.1); c.63391A>T, p.Lys21131Ter (NM_003319.4); c.82882A>T, p.Lys27628Ter (NM_133378.4); c.63766A>T, p.Lys21256Ter (NM_133432.3); c.63967A>T, p.Lys21323Ter (NM_133437.4); short protein forms K30196*, K21131*, K21323*, K27628*, K21256*, K28555*.
Identifiers: ClinVar variation 4615348 (VCV004615348.1).